The following is an entry in ClinVar:

ClinVar aggregate classification (germline): Uncertain significance (1 of 4 stars; one submission).

Conditions:
Inborn genetic diseases. Identifiers: MedGen C0950123, MeSH D030342.

Submission:

Ambry Genetics
Classification: Uncertain significance for Inborn genetic diseases. Last evaluated: 2025-11-29. Review status: criteria provided, single submitter. Criteria: Ambry Variant Classification Scheme 2023. Collection method: clinical testing. Allele origin: germline.
Comment: The p.Q1160E variant (also known as c.3478C>G), located in coding exon 35 of the FANCA gene, results from a C to G substitution at nucleotide position 3478. The glutamine at codon 1160 is replaced by glutamic acid, an amino acid with highly similar properties. This amino acid position is conserved. In addition, the in silico prediction for this alteration is inconclusive. Based on the available evidence, the clinical significance of this variant remains unclear.

NM_000135.4(FANCA):c.3478C>G (p.Gln1160Glu)

Gene: FANCA (FA complementation group A; minus strand). Cytogenetic location: 16q24.3.
Variant type: single nucleotide variant.
Coding change: c.3478C>G on transcript NM_000135.4 (MANE Select); coding-DNA position 3478, C replaced by G.
Protein change: p.Gln1160Glu; replaces glutamine 1160 with glutamic acid.
Molecular consequence: missense variant.
Genome position (GRCh38, 1-based): chr16:89,746,619, G>C on the plus strand (C>G on the coding strand, the complement: FANCA is on the minus strand). VCF-style: chr16-89746619-G-C. GRCh37 (hg19) VCF-style: chr16-89813027-G-C.
Other names: c.3478C>G, p.Gln1160Glu (NM_001286167.3); short protein forms Q1160E.
Identifiers: ClinVar variation 4619298 (VCV004619298.1).